The following is an entry in ClinVar:

NM_018008.4(FEZF2):c.1020dup (p.Ala341fs)

Gene: FEZF2 (FEZ family zinc finger 2; minus strand). Cytogenetic location: 3p14.2.
Variant type: Duplication.
Coding change: c.1020dup on transcript NM_018008.4 (MANE Select); coding-DNA position 1020, one base duplicated (A; older notation c.1020dupA).
Protein change: p.Ala341fs; shifts the reading frame from alanine 341.
Molecular consequence: frameshift variant.
Genome position (GRCh38, 1-based): chr3:62,371,317, T duplicated on the plus strand (A on the coding strand, the reverse complement: FEZF2 is on the minus strand); the first of 3 consecutive T bases (chr3:62,371,317-62,371,319); duplicating any one gives the same sequence. VCF-style (leftmost placement, unchanged base first): chr3-62371316-C-CT. GRCh37 (hg19) VCF-style: chr3-62356991-C-CT.
Other names: short protein forms A341fs.
Identifiers: ClinVar variation 3342755 (VCV003342755.1).

ClinVar aggregate classification (germline): Uncertain significance (1 of 4 stars; one submission).

Submission:

GeneDx
Classification: Uncertain significance. Last evaluated: 2022-12-09. Review status: criteria provided, single submitter. Criteria: GeneDx Variant Classification Process June 2021. Collection method: clinical testing. Allele origin: germline. Affected: yes.
Comment: Not observed at significant frequency in large population cohorts (gnomAD); Frameshift variant predicted to result in protein truncation as the 119 amino acids are replaced with 90 different amino acids, although loss-of-function variants have not been reported downstream of this position in the protein; Has not been previously published as pathogenic or benign to our knowledge; Variants in candidate genes are classified as variants of uncertain significance in accordance with ACMG guidelines (Richards et al., 2015)